The following is an entry in ClinVar:

NM_000218.3(KCNQ1):c.478-8C>T

Gene: KCNQ1 (potassium voltage-gated channel subfamily Q member 1; plus strand). Cytogenetic location: 11p15.5.
Variant type: single nucleotide variant.
Coding change: c.478-8C>T on transcript NM_000218.3 (MANE Select); 8 bases into the intron before coding-DNA position 478, C replaced by T.
Molecular consequence: intron variant.
Genome position (GRCh38, 1-based): chr11:2,570,620, C>T. VCF-style: chr11-2570620-C-T. GRCh37 (hg19) VCF-style: chr11-2591850-C-T.
Other names: p.?; c.208-8C>T (NM_001406837.1); c.478-8C>T (NM_001406836.1); c.478-12815C>T (NM_001406838.1); c.97-8C>T (NM_181798.2).
Identifiers: ClinVar variation 42491 (VCV000042491.29), dbSNP rs150711844, ClinGen allele CA007201.

ClinVar aggregate classification (germline): Benign/Likely benign. Review status: criteria provided, multiple submitters, no conflicts (2 of 4 stars). 9 submissions from 9 submitters: Benign (7); Likely benign (2). Last evaluated 2026-06-01.

Conditions:
Cardiac arrhythmia. Also called: Cardiac rhythm disease; Arrhythmia. Identifiers: MedGen C0003811, MONDO:0007263, HP:0011675.
Long QT syndrome (LQTS). Identifiers: MedGen C0023976, MeSH D008133, MONDO:0002442. Disease mechanism: loss of function. Inheritance: Various modes of inheritance.

Allele frequency attached by ClinVar (database versions not stated): ESP Exome Variant Server 0.00238; 1000 Genomes Project 30x 0.00328; 1000 Genomes Project 0.00359; gnomAD exomes 0.00054; ExAC 0.00076; gnomAD 0.00150; TOPMed 0.00198.
gnomAD v4.1: 605 of 1,612,208 alleles (0.038%); highest among the groups gnomAD compares: African/African-American, 0.59%; 3 homozygotes.

Submissions (9):

CeGaT Center for Human Genetics Tuebingen
Classification: Likely benign. Last evaluated: 2026-06-01. Review status: criteria provided, single submitter. Criteria: CeGaT Center For Human Genetics Tuebingen Variant Classification Criteria Version 2. Collection method: clinical testing. Allele origin: germline. Affected: yes. Observed: 1 variant allele.
Comment: KCNQ1: BP4, BS1

Molecular Diagnostic Laboratory for Inherited Cardiovascular Disease, Montreal Heart Institute
Classification: Benign. Last evaluated: 2026-03-27. Review status: criteria provided, single submitter. Criteria: ACMG Guidelines, 2015. Collection method: clinical testing. Allele origin: germline. Affected: no.

Labcorp Genetics (formerly Invitae), Labcorp
Classification: Benign for Long QT syndrome. Last evaluated: 2026-01-29. Review status: criteria provided, single submitter. Criteria: Invitae Variant Classification Sherloc (09022015). Collection method: clinical testing. Allele origin: germline.

Mayo Clinic Laboratories, Mayo Clinic
Classification: Benign. Last evaluated: 2025-06-05. Review status: criteria provided, single submitter. Criteria: ACMG Guidelines, 2015. Collection method: clinical testing. Allele origin: germline. Observed: 2 variant alleles.
Comment: BS1, BS2, BP4, BP7

Blueprint Genetics
Classification: Likely benign. Last evaluated: 2024-11-13. Review status: criteria provided, single submitter. Criteria: ACMG Guidelines, 2015. Collection method: clinical testing. Allele origin: germline.

All of Us Research Program, National Institutes of Health
Classification: Benign for Long QT syndrome. Last evaluated: 2024-02-05. Review status: criteria provided, single submitter. Criteria: ACMG Guidelines, 2015. Collection method: clinical testing. Allele origin: germline. Inheritance: Autosomal dominant inheritance. Observed: 121 variant alleles, 121 heterozygotes.
Comment: This study involves interpretation of variants in research participants for the purpose of population health screening. Participant phenotype was not available at the time of variant classification. Additional details can be found in publication PMID: 35346344, PMCID: PMC8962531

Color Diagnostics, LLC DBA Color Health
Classification: Benign for Arrhythmia. Last evaluated: 2018-07-22. Review status: criteria provided, single submitter. Criteria: ACMG Guidelines, 2015. Collection method: clinical testing. Allele origin: germline.

Laboratory for Molecular Medicine, Mass General Brigham Personalized Medicine
Classification: Benign. Last evaluated: 2012-04-30. Review status: criteria provided, single submitter. Criteria: LMM Criteria. Collection method: clinical testing. Allele origin: germline. Observed: 3 variant alleles.
Comment: 478-8C>T in Intron 02 of KCNQ1: This variant is not expected to have clinical si gnificance because it has been identified in 0.6% (24/3734) of African American chromosomes from a broad population by the NHLBI Exome Sequencing Project (dbSNP rs150711844).

GeneDx
Classification: Benign. Last evaluated: 2012-04-02. Review status: criteria provided, single submitter. Criteria: GeneDx Variant Classification (06012015). Collection method: clinical testing. Allele origin: germline. Affected: yes.
Comment: This variant is considered likely benign or benign based on one or more of the following criteria: it is a conservative change, it occurs at a poorly conserved position in the protein, it is predicted to be benign by multiple in silico algorithms, and/or has population frequency not consistent with disease.